The following is an entry in ClinVar:

NM_001394062.1(MACF1):c.13614A>G (p.Glu4538=)

Gene: MACF1 (microtubule actin crosslinking factor 1; plus strand). Cytogenetic location: 1p34.3.
Variant type: single nucleotide variant.
Coding change: c.13614A>G on transcript NM_001394062.1 (MANE Select); coding-DNA position 13614, A replaced by G.
Protein change: p.Glu4538=; no amino-acid change (glutamic acid 4538 retained).
Molecular consequence: synonymous variant.
Genome position (GRCh38, 1-based): chr1:39,380,339, A>G. VCF-style: chr1-39380339-A-G. GRCh37 (hg19) VCF-style: chr1-39846011-A-G.
Other names: c.7428A>G, p.Glu2476= (NM_012090.5).
Identifiers: ClinVar variation 3036690 (VCV003036690.2), dbSNP rs758443243, ClinGen allele CA782097.
Genomic context (GRCh38, chr1:39,380,339, plus strand): 5'-AATTCAAAAAGTAAAGGAAGCCCTGGCTGGATTACTGGTGACATATCCCAACTCACAGGA[A>G]GCAGAAAATTGGAAGAAAATTCAGGAAGAACTCAGTAAGTTTTCACAAGAGTGTTACAAA-3'
Protein context (NP_001380991.1, residues 4528-4548): GLLVTYPNSQ[Glu4538=]AENWKKIQEE

ClinVar aggregate classification (germline): Likely benign (0 of 4 stars; one submission).

Conditions:
MACF1-related disorder. Also called: MACF1-related condition.

Allele frequency attached by ClinVar (database versions not stated): ExAC 0.00001; gnomAD 0.00001; gnomAD exomes 0.00001.
gnomAD v4.1: 10 of 1,613,276 alleles (0.00062%); highest among the groups gnomAD compares: East Asian, 0.022%; no homozygotes.

Submission:

PreventionGenetics, part of Exact Sciences
Classification: Likely benign for MACF1-related condition. Last evaluated: 2020-05-29. Review status: no assertion criteria provided. Collection method: clinical testing. Allele origin: germline.
Comment: This variant is classified as likely benign based on ACMG/AMP sequence variant interpretation guidelines (Richards et al. 2015 PMID: 25741868, with internal and published modifications).